The following is an entry in ClinVar:

ClinVar aggregate classification (germline): Uncertain significance (1 of 4 stars; one submission).

Conditions:
Primary ciliary dyskinesia 32. Also called: CILIARY DYSKINESIA, PRIMARY, 32, WITHOUT SITUS INVERSUS. Identifiers: Orphanet 244, MedGen C4225311, MONDO:0014657, OMIM 616481.

Submission:

Juno Genomics, Hangzhou Juno Genomics, Inc
Classification: Uncertain significance for Primary ciliary dyskinesia 32. Review status: criteria provided, single submitter. Criteria: ACMG Guidelines, 2015. Collection method: clinical testing. Allele origin: germline.
Comment: Absent from controls (or at extremely low frequency if recessive) in Genome Aggregation Database.;Multiple lines of computational evidence support a deleterious effect on the gene or gene product.

NM_031924.8(RSPH3):c.347-17T>G

Gene: RSPH3 (radial spoke head 3; minus strand). Cytogenetic location: 6q25.3.
Variant type: single nucleotide variant.
Coding change: c.347-17T>G on transcript NM_031924.8 (MANE Select); 17 bases into the intron before coding-DNA position 347, T replaced by G.
Molecular consequence: intron variant.
Genome position (GRCh38, 1-based): chr6:158,983,824, A>C on the plus strand (T>G on the coding strand, the complement: RSPH3 is on the minus strand). VCF-style: chr6-158983824-A-C. GRCh37 (hg19) VCF-style: chr6-159404856-A-C.
Other names: c.631-1136T>G (NM_001346418.1).
Identifiers: ClinVar variation 5006991 (VCV005006991.2).